The following is an entry in ClinVar:

NM_014009.4(FOXP3):c.188C>T (p.Pro63Leu)

Gene: FOXP3 (forkhead box P3; minus strand). Cytogenetic location: Xp11.23.
Variant type: single nucleotide variant.
Coding change: c.188C>T on transcript NM_014009.4 (MANE Select); coding-DNA position 188, C replaced by T.
Protein change: p.Pro63Leu; replaces proline 63 with leucine.
Molecular consequence: missense variant.
Genome position (GRCh38, 1-based): chrX:49,258,318, G>A on the plus strand (C>T on the coding strand, the complement: FOXP3 is on the minus strand). VCF-style: chrX-49258318-G-A. GRCh37 (hg19) VCF-style: chrX-49114775-G-A.
Other names: c.188C>T, p.Pro63Leu (NM_001114377.2); short protein forms P63L.
Identifiers: ClinVar variation 1931476 (VCV001931476.5), dbSNP rs1557116691, ClinGen allele CA412953831.
Genomic context (GRCh38, chrX:49,258,318, plus strand): 5'-CCCACCCTGCCTGCCCCATCCTGGGCCCAGGGCCTCACCTGCAGCTGCGATGGTGGCATG[G>A]GGTTCAAGGAAGAAGAGGAGGCATGGGCCCCGCCTCGAAGATCTCGGCCCTGGAAGGTTC-3'
Protein context (NP_054728.2, residues 53-73): GAHASSSSLN[Pro63Leu]MPPSQLQLPT

ClinVar aggregate classification (germline): Uncertain significance (1 of 4 stars; one submission).

Conditions:
Insulin-dependent diabetes mellitus secretory diarrhea syndrome (IPEX). Also called: Immunodysregulation, polyendocrinopathy, and enteropathy, X-linked; Immunodeficiency, Polyendocrinopathy, and Enteropathy X-Linked Syndrome; X-Linked Syndrome of Polyendocrinopathy, Immune Dysfunction, and Diarrhea; IMMUNODEFICIENCY, POLYENDOCRINOPATHY, AND ENTEROPATHY, X-LINKED; X-Linked Autoimmunity-Allergic Dysregulation Syndrome; Immune dysregulation-polyendocrinopathy-enteropathy-X-linked syndrome. Identifiers: Orphanet 37042, MedGen C0342288, MONDO:0010580, OMIM 304790. Disease mechanism: loss of function.

Allele frequency attached by ClinVar (database versions not stated): TOPMed below 0.00001; gnomAD 0.00001.
gnomAD v4.1: 12 of 1,165,075 alleles (0.001%); highest among the groups gnomAD compares: Non-Finnish European, 0.0014%; no homozygotes.

Submission:

Labcorp Genetics (formerly Invitae), Labcorp
Classification: Uncertain significance for Insulin-dependent diabetes mellitus secretory diarrhea syndrome. Last evaluated: 2022-12-24. Review status: criteria provided, single submitter. Criteria: Invitae Variant Classification Sherloc (09022015). Collection method: clinical testing. Allele origin: germline.
Comment: This sequence change replaces proline, which is neutral and non-polar, with leucine, which is neutral and non-polar, at codon 63 of the FOXP3 protein (p.Pro63Leu). In summary, the available evidence is currently insufficient to determine the role of this variant in disease. Therefore, it has been classified as a Variant of Uncertain Significance. Advanced modeling of protein sequence and biophysical properties (such as structural, functional, and spatial information, amino acid conservation, physicochemical variation, residue mobility, and thermodynamic stability) performed at Invitae indicates that this missense variant is not expected to disrupt FOXP3 protein function. This variant has not been reported in the literature in individuals affected with FOXP3-related conditions. This variant is present in population databases (no rsID available, gnomAD 0.004%).